The following is an entry in ClinVar:

ClinVar aggregate classification (germline): Uncertain significance (1 of 4 stars; one submission).

gnomAD v4.1: 4 of 1,613,508 alleles (0.00025%); highest among the groups gnomAD compares: Admixed American, 0.0067%; no homozygotes.

Submission:

Labcorp Genetics (formerly Invitae), Labcorp
Classification: Uncertain significance. Last evaluated: 2025-08-14. Review status: criteria provided, single submitter. Criteria: Invitae Variant Classification Sherloc (09022015). Collection method: clinical testing. Allele origin: germline.
Comment: This sequence change replaces lysine, which is basic and polar, with glutamic acid, which is acidic and polar, at codon 519 of the SIN3A protein (p.Lys519Glu). This variant is not present in population databases (gnomAD no frequency). This variant has not been reported in the literature in individuals affected with SIN3A-related conditions. ClinVar contains an entry for this variant (Variation ID: 3715157). Invitae Evidence Modeling of protein sequence and biophysical properties (such as structural, functional, and spatial information, amino acid conservation, physicochemical variation, residue mobility, and thermodynamic stability) has been performed for this missense variant. However, the output from this modeling did not meet the statistical confidence thresholds required to predict the impact of this variant on SIN3A protein function. In summary, the available evidence is currently insufficient to determine the role of this variant in disease. Therefore, it has been classified as a Variant of Uncertain Significance.

NM_001145358.2(SIN3A):c.1555A>G (p.Lys519Glu)

Gene: SIN3A (SIN3 transcription regulator family member A; minus strand). Cytogenetic location: 15q24.2.
Variant type: single nucleotide variant.
Coding change: c.1555A>G on transcript NM_001145358.2 (MANE Select); coding-DNA position 1555, A replaced by G.
Protein change: p.Lys519Glu; replaces lysine 519 with glutamic acid.
Molecular consequence: missense variant.
Genome position (GRCh38, 1-based): chr15:75,400,912, T>C on the plus strand (A>G on the coding strand, the complement: SIN3A is on the minus strand). VCF-style: chr15-75400912-T-C. GRCh37 (hg19) VCF-style: chr15-75693253-T-C.
Other names: c.1555A>G, p.Lys519Glu (NM_001145357.2, NM_015477.3); short protein forms K519E.
Identifiers: ClinVar variation 3715157 (VCV003715157.2).